The following is an entry in ClinVar:

NM_020975.6(RET):c.712G>A (p.Glu238Lys)

Gene: RET (ret proto-oncogene; plus strand). Cytogenetic location: 10q11.21.
Variant type: single nucleotide variant.
Coding change: c.712G>A on transcript NM_020975.6 (MANE Select); coding-DNA position 712, G replaced by A.
Protein change: p.Glu238Lys; replaces glutamic acid 238 with lysine.
Molecular consequence: missense variant.
Genome position (GRCh38, 1-based): chr10:43,105,038, G>A. VCF-style: chr10-43105038-G-A. GRCh37 (hg19) VCF-style: chr10-43600486-G-A.
Other names: c.712G>A, p.Glu238Lys (NM_000323.2, NM_001406743.1, NM_001406744.1 and 8 more transcripts); c.-51G>A (NM_001355216.2); c.583G>A, p.Glu195Lys (NM_001406761.1, NM_001406762.1, NM_001406764.1 and 2 more transcripts); c.424G>A, p.Glu142Lys (NM_001406766.1, NM_001406767.1, NM_001406770.1); short protein forms E238K, E195K, E142K.
Identifiers: ClinVar variation 1039313 (VCV001039313.13), dbSNP rs1588866040, ClinGen allele CA376544687.

ClinVar aggregate classification (germline): Uncertain significance. Review status: criteria provided, multiple submitters, no conflicts (2 of 4 stars). 2 submissions from 2 submitters: Uncertain significance (2). Last evaluated 2025-11-05.

Conditions:
Hereditary cancer-predisposing syndrome. Also called: Neoplastic Syndromes, Hereditary; Hereditary Cancer Syndrome; Tumor predisposition; Hereditary neoplastic syndrome. Identifiers: Orphanet 140162, MedGen C0027672, MeSH D009386, MONDO:0015356.
Multiple endocrine neoplasia, type 2 (MEN2). Identifiers: Orphanet 653, MedGen C4048306, MONDO:0019003. Disease mechanism: gain of function.

Submissions (2):

Labcorp Genetics (formerly Invitae), Labcorp
Classification: Uncertain significance for Multiple endocrine neoplasia, type 2. Last evaluated: 2025-11-05. Review status: criteria provided, single submitter. Criteria: Invitae Variant Classification Sherloc (09022015). Collection method: clinical testing. Allele origin: germline.
Comment: This sequence change replaces glutamic acid, which is acidic and polar, with lysine, which is basic and polar, at codon 238 of the RET protein (p.Glu238Lys). This variant is not present in population databases (gnomAD no frequency). This variant has not been reported in the literature in individuals affected with RET-related conditions. ClinVar contains an entry for this variant (Variation ID: 1039313). An algorithm developed to predict the effect of missense changes on protein structure and function (PolyPhen-2) suggests that this variant is likely to be tolerated. In summary, the available evidence is currently insufficient to determine the role of this variant in disease. Therefore, it has been classified as a Variant of Uncertain Significance.

Ambry Genetics
Classification: Uncertain significance for Hereditary cancer-predisposing syndrome. Last evaluated: 2024-06-15. Review status: criteria provided, single submitter. Criteria: Ambry Variant Classification Scheme 2023. Collection method: clinical testing. Allele origin: germline.
Comment: The p.E238K variant (also known as c.712G>A), located in coding exon 4 of the RET gene, results from a G to A substitution at nucleotide position 712. The glutamic acid at codon 238 is replaced by lysine, an amino acid with similar properties. This amino acid position is not well conserved in available vertebrate species. In addition, this alteration is predicted to be tolerated by in silico analysis. Since supporting evidence is limited at this time, the clinical significance of this alteration remains unclear.